The following is an entry in ClinVar:

ClinVar aggregate classification (germline): Uncertain significance (1 of 4 stars; one submission).

Submission:

Labcorp Genetics (formerly Invitae), Labcorp
Classification: Uncertain significance. Last evaluated: 2024-01-17. Review status: criteria provided, single submitter. Criteria: Invitae Variant Classification Sherloc (09022015). Collection method: clinical testing. Allele origin: germline.
Comment: This sequence change replaces aspartic acid, which is acidic and polar, with tyrosine, which is neutral and polar, at codon 500 of the ALPK3 protein (p.Asp500Tyr). This variant is not present in population databases (gnomAD no frequency). This variant has not been reported in the literature in individuals affected with ALPK3-related conditions. An algorithm developed to predict the effect of missense changes on protein structure and function (PolyPhen-2) suggests that this variant is likely to be disruptive. In summary, the available evidence is currently insufficient to determine the role of this variant in disease. Therefore, it has been classified as a Variant of Uncertain Significance.

NM_020778.5(ALPK3):c.892G>T (p.Asp298Tyr)

Gene: ALPK3 (alpha kinase 3; plus strand). Cytogenetic location: 15q25.3.
Variant type: single nucleotide variant.
Coding change: c.892G>T on transcript NM_020778.5 (MANE Select); coding-DNA position 892, G replaced by T.
Protein change: p.Asp298Tyr; replaces aspartic acid 298 with tyrosine.
Molecular consequence: missense variant.
Genome position (GRCh38, 1-based): chr15:84,840,171, G>T. VCF-style: chr15-84840171-G-T. GRCh37 (hg19) VCF-style: chr15-85383402-G-T.
Other names: short protein forms D298Y.
Identifiers: ClinVar variation 2709783 (VCV002709783.3), dbSNP rs2505705639, ClinGen allele CA393373724.